The following is an entry in ClinVar:

ClinVar aggregate classification (germline): Uncertain significance (1 of 4 stars; one submission).

Conditions:
Brugada syndrome 7 (BRGDA7). Identifiers: Orphanet 130, MedGen C2751088, MONDO:0013146, OMIM 613120.

gnomAD v4.1: 6 of 1,614,240 alleles (0.00037%); highest among the groups gnomAD compares: Non-Finnish European, 0.00051%; no homozygotes.

Submission:

Labcorp Genetics (formerly Invitae), Labcorp
Classification: Uncertain significance for Brugada syndrome 7. Last evaluated: 2022-10-13. Review status: criteria provided, single submitter. Criteria: Invitae Variant Classification Sherloc (09022015). Collection method: clinical testing. Allele origin: germline.
Comment: This sequence change replaces isoleucine, which is neutral and non-polar, with valine, which is neutral and non-polar, at codon 16 of the SCN3B protein (p.Ile16Val). This variant is not present in population databases (gnomAD no frequency). This variant has not been reported in the literature in individuals affected with SCN3B-related conditions. ClinVar contains an entry for this variant (Variation ID: 1460899). Algorithms developed to predict the effect of missense changes on protein structure and function output the following: SIFT: "Tolerated"; PolyPhen-2: "Benign"; Align-GVGD: "Class C0". The valine amino acid residue is found in multiple mammalian species, which suggests that this missense change does not adversely affect protein function. In summary, the available evidence is currently insufficient to determine the role of this variant in disease. Therefore, it has been classified as a Variant of Uncertain Significance.

NM_001040151.2(SCN3B):c.46A>G (p.Ile16Val)

Gene: SCN3B (sodium voltage-gated channel beta subunit 3; minus strand). Cytogenetic location: 11q24.1.
Variant type: single nucleotide variant.
Coding change: c.46A>G on transcript NM_001040151.2 (MANE Select); coding-DNA position 46, A replaced by G.
Protein change: p.Ile16Val; replaces isoleucine 16 with valine.
Molecular consequence: missense variant.
Genome position (GRCh38, 1-based): chr11:123,653,756, T>C on the plus strand (A>G on the coding strand, the complement: SCN3B is on the minus strand). VCF-style: chr11-123653756-T-C. GRCh37 (hg19) VCF-style: chr11-123524464-T-C.
Other names: c.46A>G, p.Ile16Val (NM_018400.4); short protein forms I16V.
Identifiers: ClinVar variation 1460899 (VCV001460899.6), dbSNP rs1306658128, ClinGen allele CA383073330.
Genomic context (GRCh38, chr11:123,653,756, plus strand): 5'-TAGCATTGTTACTGTTACCTGCATCCGGCATGGCGAGGTGCTGGTACTTACCCCAGTAGA[T>C]AAGCACGAGAGAAGCCAGGGGAAACAATCTATTGAAGGCAGGCATCTTCTGGGGCTGGCG-3'
Protein context (NP_001035241.1, residues 6-26): RLFPLASLVL[Ile16Val]YWVSVCFPVC